The following is an entry in ClinVar:

NM_001267550.2(TTN):c.72943_72949delinsACAAGGA (p.Tyr24315_Ala24317delinsThrArgThr)

Genes: TTN (titin; minus strand), TTN-AS1 (TTN antisense RNA 1; plus strand). Cytogenetic location: 2q31.2.
Variant type: Indel.
Coding change: c.72943_72949delinsACAAGGA on transcript NM_001267550.2 (MANE Select); coding-DNA positions 72943 to 72949, TACAAGG replaced by ACAAGGA.
Protein change: p.Tyr24315_Ala24317delinsThrArgThr.
Molecular consequence: missense variant.
Genome position (GRCh38, 1-based): chr2:178,573,183-178,573,189, CCTTGTA replaced by TCCTTGT on the plus strand (TACAAGG replaced by ACAAGGA on the coding strand, the reverse complement: TTN is on the minus strand). VCF-style: chr2-178573183-CCTTGTA-TCCTTGT. GRCh37 (hg19) VCF-style: chr2-179437910-CCTTGTA-TCCTTGT.
Other names: c.68020_68026delinsACAAGGA, p.Tyr22674_Ala22676delinsThrArgThr (NM_001256850.1); c.45748_45754delinsACAAGGA, p.Tyr15250_Ala15252delinsThrArgThr (NM_003319.4); c.65239_65245delinsACAAGGA, p.Tyr21747_Ala21749delinsThrArgThr (NM_133378.4); c.46123_46129delinsACAAGGA, p.Tyr15375_Ala15377delinsThrArgThr (NM_133432.3); c.46324_46330delinsACAAGGA, p.Tyr15442_Ala15444delinsThrArgThr (NM_133437.4); c.45748_45754delTACAAGGinsACAAGGA (NM_003319.4).
Identifiers: ClinVar variation 1741583 (VCV001741583.2), dbSNP rs2468573289, ClinGen allele CA2580064819.

ClinVar aggregate classification (germline): Uncertain significance (1 of 4 stars; one submission).

Conditions:
Cardiovascular phenotype. Identifiers: MedGen CN230736.

Submission:

Ambry Genetics
Classification: Uncertain significance for Cardiovascular phenotype. Last evaluated: 2021-08-27. Review status: criteria provided, single submitter. Criteria: Ambry Variant Classification Scheme 2023. Collection method: clinical testing. Allele origin: germline.
Comment: The c.45748_45754delTACAAGGinsACAAGGA variant (also known as p.Y15250_A15252delinsTRT), located in coding exon 153 of the TTN gene, results from an in-frame deletion of TACAAGG and insertion of ACAAGGA at nucleotide positions 45748 to 45754. This results in the substitution of tyrosine, lysine, and alanine residues for threonine, alanine, and threonine residues at codon 15250 and 15252. This amino acid region is highly conserved in available vertebrate species. In addition, this alteration is predicted to be deleterious by in silico analysis (Choi Y et al. PLoS ONE. 2012; 7(10):e46688). Since supporting evidence is limited at this time, the clinical significance of this alteration remains unclear.